The following is an entry in ClinVar:

NM_001364905.1(LRBA):c.4183A>C (p.Thr1395Pro)

Gene: LRBA (LPS responsive beige-like anchor protein; minus strand). Cytogenetic location: 4q31.3.
Variant type: single nucleotide variant.
Coding change: c.4183A>C on transcript NM_001364905.1 (MANE Select); coding-DNA position 4183, A replaced by C.
Protein change: p.Thr1395Pro; replaces threonine 1395 with proline.
Molecular consequence: missense variant.
Genome position (GRCh38, 1-based): chr4:150,848,974, T>G on the plus strand (A>C on the coding strand, the complement: LRBA is on the minus strand). VCF-style: chr4-150848974-T-G. GRCh37 (hg19) VCF-style: chr4-151770126-T-G.
Other names: c.4183A>C, p.Thr1395Pro (NM_001199282.3, NM_001367550.1, NM_006726.5); short protein forms T1395P.
Identifiers: ClinVar variation 1058908 (VCV001058908.9), dbSNP rs2126905927, ClinGen allele CA358453530.
Genomic context (GRCh38, chr4:150,848,974, plus strand): 5'-CCACAAGGCTAATTAGCCTCTGCAAAAATGTCACAGAGGCTTCTATTGAAAGGCCTTGAG[T>G]AGGTTCAATATTTTCCAGTTCATGCTGTAAAGAATAAAGTTTGACATTTATATATATATA-3'
Protein context (NP_001351834.1, residues 1385-1405): ATHELENIEP[Thr1395Pro]QGLSIEASVT

ClinVar aggregate classification (germline): Uncertain significance (1 of 4 stars; one submission).

Conditions:
Combined immunodeficiency due to LRBA deficiency. Also called: Common variable immunodeficiency 8, with autoimmunity. Identifiers: Orphanet 445018, MedGen C3553512, MONDO:0013863, OMIM 614700.

Submission:

Labcorp Genetics (formerly Invitae), Labcorp
Classification: Uncertain significance for Combined immunodeficiency due to LRBA deficiency. Last evaluated: 2022-06-20. Review status: criteria provided, single submitter. Criteria: Invitae Variant Classification Sherloc (09022015). Collection method: clinical testing. Allele origin: germline.
Comment: In summary, the available evidence is currently insufficient to determine the role of this variant in disease. Therefore, it has been classified as a Variant of Uncertain Significance. Algorithms developed to predict the effect of missense changes on protein structure and function are either unavailable or do not agree on the potential impact of this missense change (SIFT: "Tolerated"; PolyPhen-2: "Possibly Damaging"; Align-GVGD: "Class C0"). ClinVar contains an entry for this variant (Variation ID: 1058908). This variant has not been reported in the literature in individuals affected with LRBA-related conditions. This variant is not present in population databases (gnomAD no frequency). This sequence change replaces threonine, which is neutral and polar, with proline, which is neutral and non-polar, at codon 1395 of the LRBA protein (p.Thr1395Pro).